The following is an entry in ClinVar:

NM_001172501.3(SLC6A2):c.1032G>C (p.Leu344=)

Gene: SLC6A2 (solute carrier family 6 member 2; plus strand). Cytogenetic location: 16q12.2.
Variant type: single nucleotide variant.
Coding change: c.1032G>C on transcript NM_001172501.3 (MANE Select); coding-DNA position 1032, G replaced by C.
Protein change: p.Leu344=; no amino-acid change (leucine 344 retained).
Molecular consequence: synonymous variant.
Genome position (GRCh38, 1-based): chr16:55,695,287, G>C. VCF-style: chr16-55695287-G-C. GRCh37 (hg19) VCF-style: chr16-55729199-G-C.
Other names: c.1032G>C, p.Leu344= (NM_001043.3, NM_001172504.1); c.717G>C, p.Leu239= (NM_001172502.1).
Identifiers: ClinVar variation 3050010 (VCV003050010.2), dbSNP rs754577163, ClinGen allele CA8061649.

ClinVar aggregate classification (germline): Likely benign (0 of 4 stars; one submission).

Conditions:
SLC6A2-related disorder.

Allele frequency attached by ClinVar (database versions not stated): ExAC 0.00003; TOPMed 0.00003; gnomAD 0.00005; gnomAD exomes 0.00005.
gnomAD v4.1: 74 of 1,614,060 alleles (0.0046%); highest among the groups gnomAD compares: Non-Finnish European, 0.006%; no homozygotes.

Submission:

PreventionGenetics, part of Exact Sciences
Classification: Likely benign for SLC6A2-related condition. Last evaluated: 2019-04-11. Review status: no assertion criteria provided. Collection method: clinical testing. Allele origin: germline.
Comment: This variant is classified as likely benign based on ACMG/AMP sequence variant interpretation guidelines (Richards et al. 2015 PMID: 25741868, with internal and published modifications).